The following is an entry in ClinVar:

NM_001130438.3(SPTAN1):c.3006+6G>A

Gene: SPTAN1 (spectrin alpha, non-erythrocytic 1; plus strand). Cytogenetic location: 9q34.11.
Variant type: single nucleotide variant.
Coding change: c.3006+6G>A on transcript NM_001130438.3 (MANE Select); 6 bases into the intron after coding-DNA position 3006, G replaced by A.
Molecular consequence: intron variant.
Genome position (GRCh38, 1-based): chr9:128,588,949, G>A. VCF-style: chr9-128588949-G-A. GRCh37 (hg19) VCF-style: chr9-131351228-G-A.
Other names: c.3042+6G>A (NM_001375318.1, NM_001375312.2); c.3006+6G>A (NM_001375311.2, NM_001375314.2, NM_001375310.1 and 5 more transcripts).
Identifiers: ClinVar variation 1475417 (VCV001475417.7), dbSNP rs2131267970, ClinGen allele CA2573143926.

ClinVar aggregate classification (germline): Uncertain significance (1 of 4 stars; one submission).

Conditions:
Early-infantile DEE. Also called: Ohtahara syndrome; Early infantile epileptic encephalopathy with suppression bursts; Early infantile epileptic encephalopathy. Identifiers: Orphanet 1934, MedGen C0393706, MONDO:0800491.

Allele frequency attached by ClinVar (database versions not stated): gnomAD exomes below 0.00001.
gnomAD v4.1: 3 of 1,613,840 alleles (0.00019%); highest among the groups gnomAD compares: Non-Finnish European, 0.00025%; no homozygotes.

Submission:

Labcorp Genetics (formerly Invitae), Labcorp
Classification: Uncertain significance for Early-infantile DEE. Last evaluated: 2025-05-12. Review status: criteria provided, single submitter. Criteria: Invitae Variant Classification Sherloc (09022015). Collection method: clinical testing. Allele origin: germline.
Comment: This sequence change falls in intron 21 of the SPTAN1 gene. It does not directly change the encoded amino acid sequence of the SPTAN1 protein. It affects a nucleotide within the consensus splice site. This variant is not present in population databases (gnomAD no frequency). This variant has not been reported in the literature in individuals affected with SPTAN1-related conditions. ClinVar contains an entry for this variant (Variation ID: 1475417). Variants that disrupt the consensus splice site are a relatively common cause of aberrant splicing (PMID: 17576681, 9536098). Algorithms developed to predict the effect of sequence changes on RNA splicing suggest that this variant is not likely to affect RNA splicing. In summary, the available evidence is currently insufficient to determine the role of this variant in disease. Therefore, it has been classified as a Variant of Uncertain Significance.

Literature cited by the submitters: PubMed 17576681; PubMed 9536098.